The following is an entry in ClinVar:

ClinVar aggregate classification (germline): Uncertain significance. Review status: criteria provided, multiple submitters, no conflicts (2 of 4 stars). 9 submissions from 8 submitters: Uncertain significance (9). Last evaluated 2025-07-20.

Conditions:
RYR1-related disorder. Also called: RYR1-related condition; RYR1-related disorders. Identifiers: MedGen CN239331.
Malignant hyperthermia, susceptibility to, 1 (MHS1). Also called: Malignant hyperthermia suceptibility 1; RYR1-Related Malignant Hyperthermia Susceptibility; Anesthesia related hyperthermia; Malignant hyperpyrexia; Fulminating hyperpyrexia; Pharmacogenic myopathy. Identifiers: Orphanet 423, MedGen C2930980, MONDO:0007783, OMIM 145600.
Central core myopathy (CMYO1A). Also called: CONGENITAL MYOPATHY 1A, AUTOSOMAL DOMINANT, WITH SUSCEPTIBILITY TO MALIGNANT HYPERTHERMIA; Central core disease; Myopathy, central fibrillar. Identifiers: Orphanet 597, MedGen C5830701, MONDO:0007294, OMIM 117000.
King Denborough syndrome (KDS). Identifiers: MedGen C1840365, MONDO:0020485, OMIM 619542.
Congenital multicore myopathy with external ophthalmoplegia (CMYO1B). Also called: Minicore myopathy with external ophthalmoplegia; MULTIMINICORE DISEASE WITH EXTERNAL OPHTHALMOPLEGIA; Congenital myopathy 1B, autosomal recessive; Minicore myopathy; MULTICORE MYOPATHY. Identifiers: Orphanet 598, Orphanet 98905, MedGen C1850674, MONDO:0009712, OMIM 255320, HP:0003789.
Inborn genetic diseases. Identifiers: MedGen C0950123, MeSH D030342.

Allele frequency attached by ClinVar (database versions not stated): ExAC 0.00002; gnomAD 0.00003 and 0.00004; TOPMed 0.00003; ESP Exome Variant Server 0.00008.
gnomAD v4.1: 33 of 1,613,352 alleles (0.002%); highest among the groups gnomAD compares: Non-Finnish European, 0.0025%; no homozygotes.

Submissions (9):

Labcorp Genetics (formerly Invitae), Labcorp
Classification: Uncertain significance for RYR1-related disorder. Last evaluated: 2025-07-20. Review status: criteria provided, single submitter. Criteria: Invitae Variant Classification Sherloc (09022015). Collection method: clinical testing. Allele origin: germline.
Comment: This sequence change replaces arginine, which is basic and polar, with cysteine, which is neutral and slightly polar, at codon 999 of the RYR1 protein (p.Arg999Cys). This variant is present in population databases (rs150442096, gnomAD 0.004%). This missense change has been observed in individual(s) with clinical features of RYR1-related conditions (PMID: 37510298). ClinVar contains an entry for this variant (Variation ID: 329004). Invitae Evidence Modeling of protein sequence and biophysical properties (such as structural, functional, and spatial information, amino acid conservation, physicochemical variation, residue mobility, and thermodynamic stability) indicates that this missense variant is expected to disrupt RYR1 protein function with a positive predictive value of 95%. In summary, the available evidence is currently insufficient to determine the role of this variant in disease. Therefore, it has been classified as a Variant of Uncertain Significance.

Color Diagnostics, LLC DBA Color Health
Classification: Uncertain significance for Malignant hyperthermia, susceptibility to, 1. Last evaluated: 2024-07-18. Review status: criteria provided, single submitter. Criteria: ACMG Guidelines, 2015. Collection method: clinical testing. Allele origin: germline.
Comment: This missense variant replaces arginine with cysteine at codon 999 of the RYR1 protein. Computational prediction suggests that this variant may have deleterious impact on protein structure and function. To our knowledge, functional studies have not been reported for this variant. This variant has not been reported in individuals affected with RYR1-related disorders in the literature. This variant has been identified in 7/280682 chromosomes in the general population by the Genome Aggregation Database (gnomAD). The available evidence is insufficient to determine the role of this variant in disease conclusively. Therefore, this variant is classified as a Variant of Uncertain Significance.

Ambry Genetics
Classification: Uncertain significance for Inborn genetic diseases. Last evaluated: 2024-07-09. Review status: criteria provided, single submitter. Criteria: Ambry Variant Classification Scheme 2023. Collection method: clinical testing. Allele origin: germline.

CeGaT Center for Human Genetics Tuebingen
Classification: Uncertain significance. Last evaluated: 2022-06-01. Review status: criteria provided, single submitter. Criteria: CeGaT Center For Human Genetics Tuebingen Variant Classification Criteria Version 2. Collection method: clinical testing. Allele origin: germline. Affected: yes. Observed: 1 variant allele.
Comment: RYR1: PM2, PP3

GeneDx
Classification: Uncertain significance. Last evaluated: 2022-02-17. Review status: criteria provided, single submitter. Criteria: GeneDx Variant Classification Process June 2021. Collection method: clinical testing. Allele origin: germline. Affected: yes.
Comment: Not observed at significant frequency in large population cohorts (gnomAD); In silico analysis supports that this missense variant has a deleterious effect on protein structure/function; Has not been previously published as pathogenic or benign to our knowledge

Mayo Clinic Laboratories, Mayo Clinic
Classification: Uncertain significance. Last evaluated: 2021-12-02. Review status: criteria provided, single submitter. Criteria: ACMG Guidelines, 2015. Collection method: clinical testing. Allele origin: germline.

Department of Pathology and Laboratory Medicine, Sinai Health System
Classification: Uncertain significance for Central core myopathy; Malignant hyperthermia, susceptibility to, 1; Congenital multicore myopathy with external ophthalmoplegia; King Denborough syndrome. Last evaluated: 2021-10-26. Review status: criteria provided, single submitter. Criteria: ACMG Guidelines, 2015. Collection method: research. Allele origin: germline.

Illumina Laboratory Services, Illumina
Classification: Uncertain significance for Malignant hyperthermia, susceptibility to, 1. Last evaluated: 2018-01-13. Review status: criteria provided, single submitter. Criteria: ICSL Variant Classification Criteria 13 December 2019. Collection method: clinical testing. Allele origin: germline.

Illumina Laboratory Services, Illumina
Classification: Uncertain significance for Congenital multicore myopathy with external ophthalmoplegia. Last evaluated: 2018-01-13. Review status: criteria provided, single submitter. Criteria: ICSL Variant Classification Criteria 13 December 2019. Collection method: clinical testing. Allele origin: germline.

Literature cited by the submitters: PubMed 37510298 (cited by Labcorp Genetics (formerly Invitae), Labcorp).

NM_000540.3(RYR1):c.2995C>T (p.Arg999Cys)

Gene: RYR1 (ryanodine receptor 1; plus strand). Cytogenetic location: 19q13.2.
Variant type: single nucleotide variant.
Coding change: c.2995C>T on transcript NM_000540.3 (MANE Select); coding-DNA position 2995, C replaced by T.
Protein change: p.Arg999Cys; replaces arginine 999 with cysteine.
Molecular consequence: missense variant.
Genome position (GRCh38, 1-based): chr19:38,466,215, C>T. VCF-style: chr19-38466215-C-T. GRCh37 (hg19) VCF-style: chr19-38956855-C-T.
Other names: p.Arg999Cys; c.2995C>T, p.Arg999Cys (NM_001042723.2); short protein forms R999C.
Identifiers: ClinVar variation 329004 (VCV000329004.43), dbSNP rs150442096, ClinGen allele CA064292.
Genomic context (GRCh38, chr19:38,466,215, plus strand): 5'-GCGCAGACGACACTGGTGGACCGTCTGGCAGAAAATGGGCACAACGTGTGGGCCCGAGAC[C>T]GCGTGGGCCAGGGCTGGAGCTACAGCGCAGTGCAGGACATCCCAGCGCGCCGAAACCCTC-3'
Protein context (NP_000531.2, residues 989-1009): ENGHNVWARD[Arg999Cys]VGQGWSYSAV